The following is an entry in ClinVar:

NM_021830.5(TWNK):c.1953G>A (p.Lys651=)

Gene: TWNK (twinkle mtDNA helicase; plus strand). Cytogenetic location: 10q24.31.
Variant type: single nucleotide variant.
Coding change: c.1953G>A on transcript NM_021830.5 (MANE Select); coding-DNA position 1953, G replaced by A.
Protein change: p.Lys651=; no amino-acid change (lysine 651 retained).
Molecular consequence: synonymous variant. On other transcripts: 3 prime UTR variant (2), non-coding transcript variant (5).
Genome position (GRCh38, 1-based): chr10:100,993,408, G>A. VCF-style: chr10-100993408-G-A. GRCh37 (hg19) VCF-style: chr10-102753165-G-A.
Other names: c.*248G>A (NM_001163812.2, NM_001163814.2); c.591G>A, p.Lys197= (NM_001163813.2, NM_001368275.1).
Identifiers: ClinVar variation 878401 (VCV000878401.12), dbSNP rs771310512, ClinGen allele CA5653372.
Genomic context (GRCh38, chr10:100,993,408, plus strand): 5'-ACCAAAGAACAAGGCCCGGCTCAAGAAGATCAAGGATGACACTGGACCAGTGGCCAAAAA[G>A]CCCTCTTCTGGCAAAAAGGGGGCTACGACACAGAACTCTGAGATTTGCTCAGGCCAGGCC-3'
Protein context (NP_068602.2, residues 641-661): IKDDTGPVAK[Lys651=]PSSGKKGATT

ClinVar aggregate classification (germline): Conflicting classifications of pathogenicity. Review status: criteria provided, conflicting classifications (1 of 4 stars). 5 submissions from 2 submitters: Uncertain significance (2); Benign (2); Likely benign (1). Last evaluated 2024-09-01.

Conditions:
Autosomal recessive cerebellar ataxia. Also called: Spinocerebellar ataxia, autosomal recessive; Spinocerebellar Ataxia, Recessive. Identifiers: Orphanet 1172, MedGen C5575375, MONDO:0015244.
Infantile onset spinocerebellar ataxia (MTDPS7). Also called: OHAHA SYNDROME; SPINOCEREBELLAR ATAXIA, INFANTILE, WITH SENSORY NEUROPATHY; Mitochondrial DNA depletion syndrome 7 (hepatocerebral type); OPHTHALMOPLEGIA, HYPOTONIA, ATAXIA, HYPOACUSIS, AND ATHETOSIS. Identifiers: Orphanet 1186, MedGen C1849096, MONDO:0010060, OMIM 271245.
Sensory ataxic neuropathy, dysarthria, and ophthalmoparesis (SANDO). Also called: Sensory ataxic neuropathy-dysarthria-ophthalmoparesis syndrome; Epilepsy, progressive myoclonic, type 5; SENSORY ATAXIC NEUROPATHY WITH MITOCHONDRIAL DNA DELETIONS, AUTOSOMAL RECESSIVE; Ataxia Neuropathy Spectrum (ANS). Identifiers: Orphanet 70595, MedGen C1843851, MONDO:0011835, OMIM 607459.
Progressive external ophthalmoplegia with mitochondrial DNA deletions, autosomal dominant 3. Also called: PROGRESSIVE EXTERNAL OPHTHALMOPLEGIA, AUTOSOMAL DOMINANT 3. Identifiers: MedGen C1836439, MONDO:0012241, OMIM 609286.

Allele frequency attached by ClinVar (database versions not stated): gnomAD exomes below 0.00001 and 0.00001; ExAC 0.00002; gnomAD 0.00003 and 0.00004; TOPMed 0.00003.
gnomAD v4.1: 6 of 1,614,070 alleles (0.00037%); highest among the groups gnomAD compares: African/African-American, 0.0067%; no homozygotes.

Submissions (5):

Labcorp Genetics (formerly Invitae), Labcorp
Classification: Likely benign. Last evaluated: 2024-09-01. Review status: criteria provided, single submitter. Criteria: Invitae Variant Classification Sherloc (09022015). Collection method: clinical testing. Allele origin: germline.

Illumina Laboratory Services, Illumina
Classification: Uncertain significance for Autosomal recessive cerebellar ataxia. Last evaluated: 2018-01-13. Review status: criteria provided, single submitter. Criteria: ICSL Variant Classification Criteria 13 December 2019. Collection method: clinical testing. Allele origin: germline.

Illumina Laboratory Services, Illumina
Classification: Benign for Sensory ataxic neuropathy-dysarthria-ophthalmoparesis syndrome. Last evaluated: 2018-01-13. Review status: criteria provided, single submitter. Criteria: ICSL Variant Classification Criteria 13 December 2019. Collection method: clinical testing. Allele origin: germline.
Comment: This variant was observed in the ICSL laboratory as part of a predisposition screen in an ostensibly healthy population. It had not been previously curated by ICSL or reported in the Human Gene Mutation Database (HGMD: prior to June 1st, 2018), and was therefore a candidate for classification through an automated scoring system. Utilizing variant allele frequency, disease prevalence and penetrance estimates, and inheritance mode, an automated score was calculated to assess if this variant is too frequent to cause the disease. Based on the score and internal cut-off values, a variant classified as benign is not then subjected to further curation. The score for this variant resulted in a classification of benign for this disease.

Illumina Laboratory Services, Illumina
Classification: Benign for Progressive external ophthalmoplegia with mitochondrial DNA deletions, autosomal dominant 3. Last evaluated: 2018-01-13. Review status: criteria provided, single submitter. Criteria: ICSL Variant Classification Criteria 13 December 2019. Collection method: clinical testing. Allele origin: germline.
Comment: the same text as in the submission from Illumina Laboratory Services, Illumina above.

Illumina Laboratory Services, Illumina
Classification: Uncertain significance for Infantile onset spinocerebellar ataxia. Last evaluated: 2018-01-13. Review status: criteria provided, single submitter. Criteria: ICSL Variant Classification Criteria 13 December 2019. Collection method: clinical testing. Allele origin: germline.